The following is an entry in ClinVar:

NM_001142800.2(EYS):c.2527G>A (p.Gly843Arg)

Gene: EYS (EGF-like photoreceptor maintenance factor; minus strand). Cytogenetic location: 6q12.
Variant type: single nucleotide variant.
Coding change: c.2527G>A on transcript NM_001142800.2 (MANE Select); coding-DNA position 2527, G replaced by A.
Protein change: p.Gly843Arg; replaces glycine 843 with arginine.
Molecular consequence: missense variant.
Genome position (GRCh38, 1-based): chr6:64,912,598, C>T on the plus strand (G>A on the coding strand, the complement: EYS is on the minus strand). VCF-style: chr6-64912598-C-T. GRCh37 (hg19) VCF-style: chr6-65622491-C-T.
Other names: c.2527G>A, p.Gly843Arg (NM_001292009.2); short protein forms G843R.
Identifiers: ClinVar variation 1213994 (VCV001213994.8), dbSNP rs2150076826, ClinGen allele CA364786322.
Genomic context (GRCh38, chr6:64,912,598, plus strand): 5'-TGTTTCTGCAAGGGTTATGAAGTAGGTCACAAAGGTTATAGCGTTGGTGGCAAAATTGTC[C>T]AGTATAAAGGGGTGGGCACAGACATACAAATTGTCCAGGGATGGTAGATTCATGACAAAG-3'
Protein context (NP_001136272.1, residues 833-853): FVCLCPPLYT[Gly843Arg]QFCHQRYNLC

ClinVar aggregate classification (germline): Conflicting classifications of pathogenicity. Review status: criteria provided, conflicting classifications (1 of 4 stars). 3 submissions from 3 submitters: Likely pathogenic (1); Uncertain significance (2). Last evaluated 2023-10-01.

Conditions:
Retinitis pigmentosa 25 (RP25). Identifiers: Orphanet 791, MedGen C1864446, MONDO:0011272, OMIM 602772.
Retinal dystrophy. Also called: Inherited retinal dystrophy. Identifiers: Orphanet 71862, MedGen C0854723, MeSH D058499, MONDO:0019118, HP:0000556.

gnomAD v4.1: 3 of 1,551,192 alleles (0.00019%); highest among the groups gnomAD compares: Non-Finnish European, 0.00026%; no homozygotes.

Submissions (3):

Dept Of Ophthalmology, Nagoya University
Classification: Uncertain significance for Retinal dystrophy. Last evaluated: 2023-10-01. Review status: criteria provided, single submitter. Criteria: Submitter's publication. Collection method: research. Allele origin: germline. Affected: yes.

Labcorp Genetics (formerly Invitae), Labcorp
Classification: Uncertain significance. Last evaluated: 2022-04-11. Review status: criteria provided, single submitter. Criteria: Invitae Variant Classification Sherloc (09022015). Collection method: clinical testing. Allele origin: germline.
Comment: This variant has not been reported in the literature in individuals affected with EYS-related conditions. In summary, the available evidence is currently insufficient to determine the role of this variant in disease. Therefore, it has been classified as a Variant of Uncertain Significance. This variant disrupts the p.Gly843 amino acid residue in EYS. Other variant(s) that disrupt this residue have been determined to be pathogenic (PMID: 22302105, 22363543, 29785639, 31814702). This suggests that this residue is clinically significant, and that variants that disrupt this residue are likely to be disease-causing. Algorithms developed to predict the effect of missense changes on protein structure and function (SIFT, PolyPhen-2, Align-GVGD) all suggest that this variant is likely to be disruptive. ClinVar contains an entry for this variant (Variation ID: 1213994). This variant is not present in population databases (gnomAD no frequency). This sequence change replaces glycine, which is neutral and non-polar, with arginine, which is basic and polar, at codon 843 of the EYS protein (p.Gly843Arg).

DBGen Ocular Genomics
Classification: Likely pathogenic for Retinitis pigmentosa 25. Last evaluated: 2021-06-11. Review status: criteria provided, single submitter. Criteria: ACMG Guidelines, 2015. Collection method: clinical testing. Allele origin: germline. Affected: yes. Observed: 1 variant allele.

Literature cited by the submitters: PubMed 22302105 (cited by Labcorp Genetics (formerly Invitae), Labcorp); PubMed 22363543 (cited by Labcorp Genetics (formerly Invitae), Labcorp); PubMed 29785639 (cited by Labcorp Genetics (formerly Invitae), Labcorp); PubMed 31814702 (cited by Labcorp Genetics (formerly Invitae), Labcorp).